The following is an entry in ClinVar:

ClinVar aggregate classification (germline): Likely pathogenic (0 of 4 stars; one submission).

Conditions:
Malignant tumor of breast. Also called: Malignant breast neoplasm; Cancer breast. Identifiers: MedGen C0006142, MONDO:0007254. Disease mechanism: loss of function.

Submission:

Department of Pathology and Laboratory Medicine, Sinai Health System
Classification: Likely pathogenic for Malignant tumor of breast. Review status: no assertion criteria provided. Collection method: clinical testing. Allele origin: unknown. Affected: yes. Study: The Canadian Open Genetics Repository (COGR).
Comment: The PALB2 c.3202-?_3561+?del variant (chr:16 g.23614779_23619332del GRCh37) results in an in-frame deletion of exons 12-13, although the precise breakpoints of this deletion were not determined nor were the effects of this variant on the resulting mRNA or protein product determined. The variant was not identified in dbSNP, ClinVar, LOVD 3.0, the Exome Aggregation Consortium (August 8th 2016) or the Genome Aggregation Database (Feb 27, 2017). In summary, based on the above information the clinical significance of this variant cannot be determined with certainty at this time although we would lean towards a more pathogenic role for this variant. This variant is classified as likely pathogenic.

NM_024675.4(PALB2):c.3351-150_*2del

Gene: PALB2 (partner and localizer of BRCA2; minus strand). Cytogenetic location: 16p12.2.
Variant type: Deletion.
Coding change: c.3351-150_*2del on transcript NM_024675.4 (MANE Select); 150 bases into the intron before coding-DNA position 3351 through 2 bases downstream of the stop codon, 363 bases deleted.
Molecular consequence: splice acceptor variant.
Genome position (GRCh38, 1-based): chr16:23,603,457-23,603,819, 363 bases deleted. GRCh37 (hg19): chr16:23,614,778-23,615,140.
Identifiers: ClinVar variation 1048983 (VCV001048983.2), dbSNP rs2142250624, ClinGen allele CA2499223396.